The following is an entry in ClinVar:

NM_001374828.1(ARID1B):c.1445C>A (p.Ala482Glu)

Gene: ARID1B (AT-rich interaction domain 1B; plus strand). Cytogenetic location: 6q25.3.
Variant type: single nucleotide variant.
Coding change: c.1445C>A on transcript NM_001374828.1 (MANE Select); coding-DNA position 1445, C replaced by A.
Protein change: p.Ala482Glu; replaces alanine 482 with glutamic acid.
Molecular consequence: missense variant.
Genome position (GRCh38, 1-based): chr6:156,779,125, C>A. VCF-style: chr6-156779125-C-A. GRCh37 (hg19) VCF-style: chr6-157100259-C-A.
Other names: c.1196C>A, p.Ala399Glu (NM_001346813.1, NM_020732.3); c.1445C>A, p.Ala482Glu (NM_001371656.1, NM_001374820.1, NM_017519.3); c.1022C>A, p.Ala341Glu (NM_175863.2); short protein forms A341E, A399E, A482E.
Identifiers: ClinVar variation 1712229 (VCV001712229.2), dbSNP rs766500898, ClinGen allele CA366384407.

ClinVar aggregate classification (germline): Uncertain significance (1 of 4 stars; one submission).

gnomAD v4.1: 1 of 1,240,918 alleles (0.000081%); no homozygotes.

Submission:

GeneDx
Classification: Uncertain significance. Last evaluated: 2022-04-20. Review status: criteria provided, single submitter. Criteria: GeneDx Variant Classification Process June 2021. Collection method: clinical testing. Allele origin: germline. Affected: yes.
Comment: Not observed at significant frequency in large population cohorts (gnomAD); In silico analysis supports that this missense variant does not alter protein structure/function; Has not been previously published as pathogenic or benign to our knowledge